The following is an entry in ClinVar:

NM_000532.5(PCCB):c.184-2A>G

Gene: PCCB (propionyl-CoA carboxylase subunit beta; plus strand). Cytogenetic location: 3q22.3.
Variant type: single nucleotide variant.
Coding change: c.184-2A>G on transcript NM_000532.5 (MANE Select); the canonical splice acceptor site of the intron before coding-DNA position 184, A replaced by G.
Molecular consequence: splice acceptor variant.
Genome position (GRCh38, 1-based): chr3:136,255,854, A>G. VCF-style: chr3-136255854-A-G. GRCh37 (hg19) VCF-style: chr3-135974696-A-G.
Other names: c.184-2A>G (NM_001178014.2).
Identifiers: ClinVar variation 552199 (VCV000552199.5), dbSNP rs1553774015, ClinGen allele CA354738349.
Genomic context (GRCh38, chr3:136,255,854, plus strand): 5'-CCTTGCTTTGCTTACTAAATTGTCTGTGATGACATCACTGAGTGATCTTTGTTCCATTGT[A>G]GGGAAAGCTAACAGCCAGGGAGAGGATCAGTCTCTTGCTGGACCCTGGCAGCTTTGTTGA-3'

ClinVar aggregate classification (germline): Pathogenic/Likely pathogenic. Review status: criteria provided, multiple submitters, no conflicts (2 of 4 stars). 4 submissions from 4 submitters: Pathogenic (1); Likely pathogenic (2). 1 of the submissions does not count toward it. Last evaluated 2026-04-07.

Conditions:
Propionic acidemia (PROP). Also called: GLYCINEMIA, KETOTIC; HYPERGLYCINEMIA WITH KETOACIDOSIS AND LEUKOPENIA; KETOTIC HYPERGLYCINEMIA. Identifiers: Orphanet 35, MedGen C0268579, MONDO:0011628, OMIM 606054, HP:0003571.

Submissions (4):

Myriad Genetics, Inc.
Classification: Likely pathogenic for Propionic acidemia. Last evaluated: 2026-04-07. Review status: criteria provided, single submitter. Criteria: Myriad Autosomal Dominant, Autosomal Recessive and X-Linked Classification Criteria (2023). Collection method: clinical testing. Allele origin: unknown.
Comment: NM_000532.4(PCCB):c.184-2A>G is a variant in a canonical splice site classified as likely pathogenic in the context of PCCB-related propionic acidemia. c.184-2A>G has been observed in cases with relevant disease (PMID: 37689673, 33751535). Relevant functional assessments of this variant are not available in the literature. c.184-2A>G has not been observed in referenced population frequency databases. In summary, NM_000532.4(PCCB):c.184-2A>G is a variant in a canonical splice site in a gene where loss of function is a known mechanism of disease, is predicted to disrupt protein function, and has been observed more frequently in cases with the relevant disease than in healthy populations. Please note: this variant was assessed in the context of healthy population screening.

Baylor Genetics
Classification: Pathogenic for Propionic acidemia. Last evaluated: 2023-07-25. Review status: criteria provided, single submitter. Criteria: ACMG Guidelines, 2015. Collection method: clinical testing. Allele origin: unknown.

Juno Genomics, Hangzhou Juno Genomics, Inc
Classification: Likely pathogenic for Propionic acidemia. Review status: criteria provided, single submitter. Criteria: ACMG Guidelines, 2015. Collection method: clinical testing. Allele origin: germline.
Comment: Absent from controls (or at extremely low frequency if recessive) in Genome Aggregation Database.;Null variant in a gene where loss of function (LOF) is a known mechanism of disease.;For recessive disorders, detected in trans with a pathogenic variant.;Patient's phenotype or family history is highly specific for a disease with a single genetic etiology.

Counsyl
Classification: Likely pathogenic for Propionic acidemia. Last evaluated: 2017-05-25. Review status: no assertion criteria provided. Collection method: clinical testing. Allele origin: unknown. Not counted in ClinVar's aggregate classification.

Literature cited by the submitters: PubMed 33751535 (cited by Myriad Genetics, Inc.); PubMed 37689673 (cited by Myriad Genetics, Inc.).